The following is an entry in ClinVar:

NM_004333.6(BRAF):c.1933_1935del (p.Val645del)

Gene: BRAF (B-Raf proto-oncogene, serine/threonine kinase; minus strand). Cytogenetic location: 7q34.
Variant type: Deletion.
Coding change: c.1933_1935del on transcript NM_004333.6 (MANE Select); coding-DNA positions 1933 to 1935, 3 bases deleted (GTT; older notation c.1933_1935delGTT).
Protein change: p.Val645del; deletes valine 645.
Molecular consequence: inframe indel (on NM_004333.4).
Genome position (GRCh38, 1-based): chr7:140,749,344-140,749,346, AAC deleted on the plus strand (GTT on the coding strand, the reverse complement: BRAF is on the minus strand); deleting any 3 consecutive bases within chr7:140,749,344-140,749,348 gives the same sequence; the c. name uses the placement nearest the transcript's 3' end. VCF-style (leftmost placement, unchanged base first): chr7-140749343-GAAC-G. GRCh37 (hg19) VCF-style: chr7-140449143-GAAC-G.
Other names: c.2053_2055del, p.Val685del (NM_001374244.1, NM_001374258.1); c.1942_1944del, p.Val648del (NM_001378467.1); c.1933_1935del, p.Val645del (NM_001378468.1, NM_001378474.1, NM_001354609.2); c.1867_1869del, p.Val623del (NM_001378469.1); c.1831_1833del, p.Val611del (NM_001378470.1); c.1822_1824del, p.Val608del (NM_001378471.1); c.1777_1779del, p.Val593del (NM_001378472.1, NM_001378473.1); c.1669_1671del, p.Val557del (NM_001378475.1); and 1 more; short protein forms V557del, V593del, V608del, V611del, V623del, V645del, V648del, V685del.
Identifiers: ClinVar variation 3361038 (VCV003361038.1).

ClinVar aggregate classification (germline): Uncertain significance (1 of 4 stars; one submission).

Submission:

GeneDx
Classification: Uncertain significance. Last evaluated: 2023-07-11. Review status: criteria provided, single submitter. Criteria: GeneDx Variant Classification Process June 2021. Collection method: clinical testing. Allele origin: germline. Affected: yes.
Comment: In-frame deletion of 1 amino acid in a non-repeat region; Not observed at significant frequency in large population cohorts (gnomAD); In silico analysis supports a deleterious effect on protein structure/function; Has not been previously published as pathogenic or benign to our knowledge